The following is an entry in ClinVar:

ClinVar aggregate classification (germline): Uncertain significance (1 of 4 stars; one submission).

Conditions:
Rauch-Steindl syndrome (RAUST). Identifiers: Orphanet 659642, MedGen C5562061, MONDO:0859219, OMIM 619695.

Submission:

Laboratorio de Genetica e Diagnostico Molecular, Hospital Israelita Albert Einstein
Classification: Uncertain significance for Rauch-Steindl syndrome. Last evaluated: 2025-02-14. Review status: criteria provided, single submitter. Criteria: ACMG Guidelines, 2015. Collection method: clinical testing. Allele origin: germline. Affected: yes.
Comment: ACMG classification criteria: PM2 supporting, PP2 supporting, PP3 supporting

NM_001042424.3(NSD2):c.1387T>G (p.Phe463Val)

Gene: NSD2 (nuclear receptor binding SET domain protein 2; plus strand). Cytogenetic location: 4p16.3.
Variant type: single nucleotide variant.
Coding change: c.1387T>G on transcript NM_001042424.3 (MANE Select); coding-DNA position 1387, T replaced by G.
Protein change: p.Phe463Val; replaces phenylalanine 463 with valine.
Molecular consequence: missense variant.
Genome position (GRCh38, 1-based): chr4:1,918,600, T>G. VCF-style: chr4-1918600-T-G. GRCh37 (hg19) VCF-style: chr4-1920327-T-G.
Other names: c.1387T>G, p.Phe463Val (NM_007331.2, NM_133330.3, NM_133331.3 and 2 more transcripts); short protein forms F463V.
Identifiers: ClinVar variation 4056685 (VCV004056685.1).
Genomic context (GRCh38, chr4:1,918,600, plus strand): 5'-AAGACCACAGTCTCCATGCCACGAAGCAGGAAGGGAGATGCAGCATCCCAGTTTTTGGTC[T>G]TCTGTCAAAAACACAGGGATGAGGTCAGTACTAAGTTGTGTTTCATGCTAGCAAGTTTCA-3'
Protein context (NP_001035889.1, residues 453-473): KGDAASQFLV[Phe463Val]CQKHRDEVVA